The following is an entry in ClinVar:

ClinVar aggregate classification (germline): Likely pathogenic (1 of 4 stars; one submission).

gnomAD v4.1: 2 of 1,614,232 alleles (0.00012%); highest among the groups gnomAD compares: South Asian, 0.0011%; no homozygotes.

Submission:

GeneDx
Classification: Likely pathogenic. Last evaluated: 2025-07-29. Review status: criteria provided, single submitter. Criteria: GeneDx Variant Classification Process June 2021. Collection method: clinical testing. Allele origin: germline. Affected: yes.
Comment: Not observed at significant frequency in large population cohorts (gnomAD); Missense variants in this gene are a common cause of disease and they are underrepresented in the general population; In silico analysis supports that this missense variant has a deleterious effect on protein structure/function; Has not been previously published as pathogenic or benign to our knowledge; This variant is associated with the following publications: (PMID: 29493581, 24957944, 9689060, 15520807, 17603483, 17603482, 19020799)

NM_002880.4(RAF1):c.1490G>A (p.Ser497Asn)

Gene: RAF1 (Raf-1 proto-oncogene, serine/threonine kinase; minus strand). Cytogenetic location: 3p25.2.
Variant type: single nucleotide variant.
Coding change: c.1490G>A on transcript NM_002880.4 (MANE Select); coding-DNA position 1490, G replaced by A.
Protein change: p.Ser497Asn; replaces serine 497 with asparagine.
Molecular consequence: missense variant. On other transcripts: non-coding transcript variant (3).
Genome position (GRCh38, 1-based): chr3:12,585,727, C>T on the plus strand (G>A on the coding strand, the complement: RAF1 is on the minus strand). VCF-style: chr3-12585727-C-T. GRCh37 (hg19) VCF-style: chr3-12627226-C-T.
Other names: c.1550G>A, p.Ser517Asn (NM_001354689.3); c.1490G>A, p.Ser497Asn (NM_001354690.3); c.1247G>A, p.Ser416Asn (NM_001354691.3, NM_001354692.3); c.1391G>A, p.Ser464Asn (NM_001354693.3); c.1307G>A, p.Ser436Asn (NM_001354694.3); c.1148G>A, p.Ser383Asn (NM_001354695.3); short protein forms S383N, S416N, S436N, S464N, S497N, S517N.
Identifiers: ClinVar variation 4689833 (VCV004689833.1).